The following is an entry in ClinVar:

NM_001009944.3(PKD1):c.8898_8911dup (p.Ala2971fs)

Gene: PKD1 (polycystin 1, transient receptor potential channel interacting; minus strand). Cytogenetic location: 16p13.3.
Variant type: Duplication.
Coding change: c.8898_8911dup on transcript NM_001009944.3 (MANE Select); coding-DNA positions 8898 to 8911, 14 bases duplicated (GTCACTCCAGGGTG).
Protein change: p.Ala2971fs; shifts the reading frame from alanine 2971.
Molecular consequence: frameshift variant.
Genome position (GRCh38, 1-based): chr16:2,102,851-2,102,864, CACCCTGGAGTGAC duplicated on the plus strand (GTCACTCCAGGGTG on the coding strand, the reverse complement: PKD1 is on the minus strand). VCF-style (leftmost placement, unchanged base first): chr16-2102850-G-GCACCCTGGAGTGAC. GRCh37 (hg19) VCF-style: chr16-2152851-G-GCACCCTGGAGTGAC.
Other names: c.8898_8911dup, p.Ala2971fs (NM_000296.4); short protein forms A2971fs.
Identifiers: ClinVar variation 424364 (VCV000424364.2), dbSNP rs1555450672, ClinGen allele CA16620108.
Genomic context (GRCh38, chr16:2,102,850, plus strand): 5'-GCCAGGCTGGCCCGCAGAGCTCACCCCGGGGAAATGAAGAAGGTGTAGGGCCGGTGGTCA[G>GCACCCTGGAGTGAC]CACCCTGGAGTGACTCTGGGCGGATCCTCCTGCTAGCCGAGCAGTTGTGCTCATTGGGCC-3'

ClinVar aggregate classification (germline): Pathogenic (1 of 4 stars; one submission).

Submission:

GeneDx
Classification: Pathogenic. Last evaluated: 2017-03-15. Review status: criteria provided, single submitter. Criteria: GeneDx Variant Classification (06012015). Collection method: clinical testing. Allele origin: germline. Affected: yes.
Comment: The c.8898_8911dup14 variant in the PKD1 gene has not been reported previously as a pathogenic variant nor as a benign variant, to our knowledge. The c.8898_8911dup14 variant causes a frameshift starting with codon Alanine 2971, changes this amino acid to a Glycine residue, and creates a premature Stop codon at position 28 of the new reading frame, denoted p.Ala2971GlyfsX28. This variant is predicted to cause loss of normal protein function either through protein truncation or nonsense-mediated mRNA decay. The c.8898_8911dup14 variant is not observed in large population cohorts (Lek et al., 2016; 1000 Genomes Consortium et al., 2015; Exome Variant Server). We interpret c.8898_8911dup14 as a pathogenic variant.